The following is an entry in ClinVar:

ClinVar aggregate classification (germline): Uncertain significance (1 of 4 stars; one submission).

Allele frequency attached by ClinVar (database versions not stated): gnomAD 0.00001.
gnomAD v4.1: 3 of 1,155,882 alleles (0.00026%); highest among the groups gnomAD compares: African/African-American, 0.0016%; no homozygotes.

Submission:

Ambry Genetics
Classification: Uncertain significance. Last evaluated: 2025-07-14. Review status: criteria provided, single submitter. Criteria: Ambry Variant Classification Scheme 2023. Collection method: clinical testing. Allele origin: germline.
Comment: The p.R4C variant (also known as c.10C>T), located in coding exon 1 of the GALNT12 gene, results from a C to T substitution at nucleotide position 10. The arginine at codon 4 is replaced by cysteine, an amino acid with highly dissimilar properties. This amino acid position is conserved. In addition, this alteration is predicted to be tolerated by in silico analysis. Since supporting evidence is limited at this time, the clinical significance of this alteration remains unclear.

NM_024642.5(GALNT12):c.10C>T (p.Arg4Cys)

Gene: GALNT12 (polypeptide N-acetylgalactosaminyltransferase 12; plus strand). Cytogenetic location: 9q22.33.
Variant type: single nucleotide variant.
Coding change: c.10C>T on transcript NM_024642.5 (MANE Select); coding-DNA position 10, C replaced by T.
Protein change: p.Arg4Cys; replaces arginine 4 with cysteine.
Molecular consequence: missense variant.
Genome position (GRCh38, 1-based): chr9:98,807,708, C>T. VCF-style: chr9-98807708-C-T. GRCh37 (hg19) VCF-style: chr9-101569990-C-T.
Other names: short protein forms R4C.
Identifiers: ClinVar variation 2561008 (VCV002561008.3), dbSNP rs1161821254, ClinGen allele CA374221997.